The following is an entry in ClinVar:

NM_024334.3(TMEM43):c.883-3C>T

Gene: TMEM43 (transmembrane protein 43; plus strand). Cytogenetic location: 3p25.1.
Variant type: single nucleotide variant.
Coding change: c.883-3C>T on transcript NM_024334.3 (MANE Select); 3 bases into the intron before coding-DNA position 883, C replaced by T.
Molecular consequence: intron variant.
Genome position (GRCh38, 1-based): chr3:14,139,177, C>T. VCF-style: chr3-14139177-C-T. GRCh37 (hg19) VCF-style: chr3-14180677-C-T.
Other names: c.886-3C>T (NM_001407274.1); c.883-6C>T (NM_001407276.1); c.880-3C>T (NM_001407275.1); c.880-6C>T (NM_001407277.1); c.808-3C>T (NM_001407279.1); c.868-3C>T (NM_001407278.1); c.733-3C>T (NM_001407280.1).
Identifiers: ClinVar variation 3386086 (VCV003386086.1).

ClinVar aggregate classification (germline): Uncertain significance (1 of 4 stars; one submission).

Conditions:
Arrhythmogenic right ventricular dysplasia 5. Also called: Arrhythmogenic Right Ventricular Dysplasia/Cardiomyopathy 5; ARRHYTHMOGENIC RIGHT VENTRICULAR DYSPLASIA, FAMILIAL, 5. Identifiers: MedGen C1858379, MONDO:0011459, OMIM 604400.

gnomAD v4.1: 1 of 1,610,512 alleles (0.000062%); highest among the groups gnomAD compares: African/African-American, 0.0013%; no homozygotes.

Submission:

All of Us Research Program, National Institutes of Health
Classification: Uncertain significance for Arrhythmogenic right ventricular dysplasia 5. Last evaluated: 2024-03-05. Review status: criteria provided, single submitter. Criteria: ACMG Guidelines, 2015. Collection method: clinical testing. Allele origin: germline. Inheritance: Autosomal dominant inheritance. Observed: 1 variant allele, 1 heterozygote.
Comment: This study involves interpretation of variants in research participants for the purpose of population health screening. Participant phenotype was not available at the time of variant classification. Additional details can be found in publication PMID: 35346344, PMCID: PMC8962531